The following is an entry in ClinVar:

ClinVar aggregate classification (germline): Uncertain significance (1 of 4 stars; one submission).

Conditions:
Combined immunodeficiency due to LRBA deficiency. Also called: Common variable immunodeficiency 8, with autoimmunity. Identifiers: Orphanet 445018, MedGen C3553512, MONDO:0013863, OMIM 614700.

Submission:

Labcorp Genetics (formerly Invitae), Labcorp
Classification: Uncertain significance for Combined immunodeficiency due to LRBA deficiency. Last evaluated: 2019-06-06. Review status: criteria provided, single submitter. Criteria: Invitae Variant Classification Sherloc (09022015). Collection method: clinical testing. Allele origin: germline.
Comment: This variant has not been reported in the literature in individuals with LRBA-related conditions. In summary, the available evidence is currently insufficient to determine the role of this variant in disease. Therefore, it has been classified as a Variant of Uncertain Significance. Algorithms developed to predict the effect of missense changes on protein structure and function are either unavailable or do not agree on the potential impact of this missense change (SIFT: "Tolerated"; PolyPhen-2: "Possibly Damaging"; Align-GVGD: "Class C0"). This variant is not present in population databases (ExAC no frequency). This sequence change replaces aspartic acid with histidine at codon 1089 of the LRBA protein (p.Asp1089His). The aspartic acid residue is weakly conserved and there is a moderate physicochemical difference between aspartic acid and histidine.

NM_001364905.1(LRBA):c.3265G>C (p.Asp1089His)

Gene: LRBA (LPS responsive beige-like anchor protein; minus strand). Cytogenetic location: 4q31.3.
Variant type: single nucleotide variant.
Coding change: c.3265G>C on transcript NM_001364905.1 (MANE Select); coding-DNA position 3265, G replaced by C.
Protein change: p.Asp1089His; replaces aspartic acid 1089 with histidine.
Molecular consequence: missense variant.
Genome position (GRCh38, 1-based): chr4:150,852,445, C>G on the plus strand (G>C on the coding strand, the complement: LRBA is on the minus strand). VCF-style: chr4-150852445-C-G. GRCh37 (hg19) VCF-style: chr4-151773597-C-G.
Other names: c.3265G>C, p.Asp1089His (NM_001199282.3, NM_001367550.1, NM_006726.5); short protein forms D1089H.
Identifiers: ClinVar variation 949532 (VCV000949532.9), dbSNP rs1750727722, ClinGen allele CA358459112.
Genomic context (GRCh38, chr4:150,852,445, plus strand): 5'-CATCATCTTCCTCTTCCTCTACTATAGATTTATCCAAGAATTCTGGCATCTCTGAGGCAT[C>G]CTCTTCTGAAGGAGAACTTATAGAAGCAGTTACTTCACTGACAGTCATTGAATCTTTGCC-3'
Protein context (NP_001351834.1, residues 1079-1099): TASISSPSEE[Asp1089His]ASEMPEFLDK